The following is an entry in ClinVar:

NM_000257.4(MYH7):c.1536C>T (p.Asp512=)

Gene: MYH7 (myosin heavy chain 7; minus strand). Cytogenetic location: 14q11.2.
Variant type: single nucleotide variant.
Coding change: c.1536C>T on transcript NM_000257.4 (MANE Select); coding-DNA position 1536, C replaced by T.
Protein change: p.Asp512=; no amino-acid change (aspartic acid 512 retained).
Molecular consequence: synonymous variant.
Genome position (GRCh38, 1-based): chr14:23,428,542, G>A on the plus strand (C>T on the coding strand, the complement: MYH7 is on the minus strand). VCF-style: chr14-23428542-G-A. GRCh37 (hg19) VCF-style: chr14-23897751-G-A.
Identifiers: ClinVar variation 517354 (VCV000517354.4), dbSNP rs1555338248, ClinGen allele CA485624582.
Genomic context (GRCh38, chr14:23,428,542, plus strand): 5'-GTAAGGCCAAAGAGGCACCTTCTCGATGAGGTCAATGCAGGCCTGCAGGTCCATGCCAAA[G>A]TCAATGAATGTCCACTCGATGCCCTCCTTCTTGTACTCCTCCTGCTCCAGCACAAACATG-3'
Protein context (NP_000248.2, residues 502-522): KKEGIEWTFI[Asp512=]FGMDLQACID

ClinVar aggregate classification (germline): Likely benign (1 of 4 stars; one submission).

Submission:

Laboratory for Molecular Medicine, Mass General Brigham Personalized Medicine
Classification: Likely benign. Last evaluated: 2017-04-07. Review status: criteria provided, single submitter. Criteria: LMM Criteria. Collection method: clinical testing. Allele origin: germline. Observed: 1 variant allele.
Comment: p.Asp512Asp in exon 15 of MYH7: This variant is not expected to have clinical si gnificance because it does not alter an amino acid residue and is not located wi thin the splice consensus sequence.